The following is an entry in ClinVar:

NM_004036.5(ADCY3):c.1634C>T (p.Ser545Leu)

Gene: ADCY3 (adenylate cyclase 3; minus strand). Cytogenetic location: 2p23.3.
Variant type: single nucleotide variant.
Coding change: c.1634C>T on transcript NM_004036.5 (MANE Select); coding-DNA position 1634, C replaced by T.
Protein change: p.Ser545Leu; replaces serine 545 with leucine.
Molecular consequence: missense variant.
Genome position (GRCh38, 1-based): chr2:24,836,945, G>A on the plus strand (C>T on the coding strand, the complement: ADCY3 is on the minus strand). VCF-style: chr2-24836945-G-A. GRCh37 (hg19) VCF-style: chr2-25059814-G-A.
Other names: c.1634C>T, p.Ser545Leu (NM_001320613.2, NM_001377129.1, NM_001377130.1 and 1 more transcripts); c.1700C>T, p.Ser567Leu (NM_001377128.1); c.911C>T, p.Ser304Leu (NM_001377131.1); c.1634C>T (NM_001320613.1); short protein forms S304L, S545L, S567L.
Identifiers: ClinVar variation 2388470 (VCV002388470.5), dbSNP rs79661731, ClinGen allele CA1554064.

ClinVar aggregate classification (germline): Uncertain significance. Review status: criteria provided, multiple submitters, no conflicts (2 of 4 stars). 2 submissions from 2 submitters: Uncertain significance (2). Last evaluated 2026-04-06.

Conditions:
ADCY3-related disorder. Also called: ADCY3-related condition.
Inborn genetic diseases. Identifiers: MedGen C0950123, MeSH D030342.

Allele frequency attached by ClinVar (database versions not stated): gnomAD exomes 0.00004; ESP Exome Variant Server 0.00008; ExAC 0.00010; gnomAD 0.00015; TOPMed 0.00021.
gnomAD v4.1: 86 of 1,613,598 alleles (0.0053%); highest among the groups gnomAD compares: East Asian, 0.1%; no homozygotes.

Submissions (2):

PreventionGenetics, part of Exact Sciences
Classification: Uncertain significance for ADCY3-related condition. Last evaluated: 2026-04-06. Review status: criteria provided, single submitter. Criteria: ACMG Guidelines, 2015. Collection method: clinical testing. Allele origin: germline.
Comment: The ADCY3 c.1634C>T variant is predicted to result in the amino acid substitution p.Ser545Leu. To our knowledge, this variant has not been reported in the literature. This variant is reported in 0.065% of alleles in individuals of East Asian descent in gnomAD, which is likely too common for an undocumented disease-causing variant. Although we suspect that this variant may be benign, at this time, the clinical significance of this variant is uncertain due to the absence of conclusive functional and genetic evidence.

Ambry Genetics
Classification: Uncertain significance for Inborn genetic diseases. Last evaluated: 2022-05-27. Review status: criteria provided, single submitter. Criteria: Ambry Variant Classification Scheme 2023. Collection method: clinical testing. Allele origin: germline.